The following is an entry in ClinVar:

ClinVar aggregate classification (germline): Uncertain significance (1 of 4 stars; one submission).

Conditions:
Cardiovascular phenotype. Identifiers: MedGen CN230736.

Allele frequency attached by ClinVar (database versions not stated): gnomAD exomes below 0.00001.
gnomAD v4.1: 4 of 1,613,448 alleles (0.00025%); highest among the groups gnomAD compares: Non-Finnish European, 0.00025%; no homozygotes.

Submission:

Ambry Genetics
Classification: Uncertain significance for Cardiovascular phenotype. Last evaluated: 2022-06-06. Review status: criteria provided, single submitter. Criteria: Ambry Variant Classification Scheme 2023. Collection method: clinical testing. Allele origin: germline.
Comment: The p.F923I variant (also known as c.2767T>A), located in coding exon 8 of the AKAP9 gene, results from a T to A substitution at nucleotide position 2767. The phenylalanine at codon 923 is replaced by isoleucine, an amino acid with highly similar properties. This amino acid position is conserved. In addition, this alteration is predicted to be tolerated by in silico analysis. Since supporting evidence is limited at this time, the clinical significance of this alteration remains unclear.

NM_005751.5(AKAP9):c.2767T>A (p.Phe923Ile)

Gene: AKAP9 (A-kinase anchoring protein 9; plus strand). Cytogenetic location: 7q21.2.
Variant type: single nucleotide variant.
Coding change: c.2767T>A on transcript NM_005751.5 (MANE Select); coding-DNA position 2767, T replaced by A.
Protein change: p.Phe923Ile; replaces phenylalanine 923 with isoleucine.
Molecular consequence: missense variant.
Genome position (GRCh38, 1-based): chr7:92,002,684, T>A. VCF-style: chr7-92002684-T-A. GRCh37 (hg19) VCF-style: chr7-91631998-T-A.
Other names: c.2767T>A, p.Phe923Ile (NM_147185.3); short protein forms F923I.
Identifiers: ClinVar variation 1795755 (VCV001795755.2), dbSNP rs2484694857, ClinGen allele CA368124886.